The following is an entry in ClinVar:

ClinVar aggregate classification (germline): Uncertain significance (1 of 4 stars; one submission).

Conditions:
Bethlem myopathy 1A. Also called: Bethlem Muscular Dystrophy; Bethlem myopathy 1; MYOPATHY, BENIGN CONGENITAL, WITH CONTRACTURES. Identifiers: Orphanet 610, MedGen CN029274, MONDO:0024530, OMIM 158810.

Submission:

Labcorp Genetics (formerly Invitae), Labcorp
Classification: Uncertain significance for Bethlem myopathy 1A. Last evaluated: 2022-09-26. Review status: criteria provided, single submitter. Criteria: Invitae Variant Classification Sherloc (09022015). Collection method: clinical testing. Allele origin: germline.
Comment: This variant is not present in population databases (gnomAD no frequency). This sequence change replaces proline, which is neutral and non-polar, with serine, which is neutral and polar, at codon 2817 of the COL6A3 protein (p.Pro2817Ser). This variant has not been reported in the literature in individuals affected with COL6A3-related conditions. Advanced modeling of protein sequence and biophysical properties (such as structural, functional, and spatial information, amino acid conservation, physicochemical variation, residue mobility, and thermodynamic stability) performed at Invitae indicates that this missense variant is expected to disrupt COL6A3 protein function. In summary, the available evidence is currently insufficient to determine the role of this variant in disease. Therefore, it has been classified as a Variant of Uncertain Significance.

NM_004369.4(COL6A3):c.8449C>T (p.Pro2817Ser)

Gene: COL6A3 (collagen type VI alpha 3 chain; minus strand). Cytogenetic location: 2q37.3.
Variant type: single nucleotide variant.
Coding change: c.8449C>T on transcript NM_004369.4 (MANE Select); coding-DNA position 8449, C replaced by T.
Protein change: p.Pro2817Ser; replaces proline 2817 with serine.
Molecular consequence: missense variant.
Genome position (GRCh38, 1-based): chr2:237,340,467, G>A on the plus strand (C>T on the coding strand, the complement: COL6A3 is on the minus strand). VCF-style: chr2-237340467-G-A. GRCh37 (hg19) VCF-style: chr2-238249110-G-A.
Other names: c.6628C>T, p.Pro2210Ser (NM_057166.5); c.7831C>T, p.Pro2611Ser (NM_057167.4); short protein forms P2817S, P2611S, P2210S.
Identifiers: ClinVar variation 2140839 (VCV002140839.4), dbSNP rs2076962218, ClinGen allele CA351194244.